The following is an entry in ClinVar:

ClinVar aggregate classification (germline): Uncertain significance (1 of 4 stars; one submission).

Allele frequency attached by ClinVar (database versions not stated): gnomAD exomes below 0.00001; TOPMed 0.00001.
gnomAD v4.1: 4 of 1,613,184 alleles (0.00025%); highest among the groups gnomAD compares: Non-Finnish European, 0.00034%; no homozygotes.

Submission:

Labcorp Genetics (formerly Invitae), Labcorp
Classification: Uncertain significance. Last evaluated: 2022-05-18. Review status: criteria provided, single submitter. Criteria: Invitae Variant Classification Sherloc (09022015). Collection method: clinical testing. Allele origin: germline.
Comment: Algorithms developed to predict the effect of missense changes on protein structure and function output the following: SIFT: "Deleterious"; PolyPhen-2: "Benign"; Align-GVGD: "Class C35". The glutamic acid amino acid residue is found in multiple mammalian species, which suggests that this missense change does not adversely affect protein function. This variant has not been reported in the literature in individuals affected with DNAAF4-related conditions. This variant is present in population databases (no rsID available, gnomAD 0.002%). This sequence change replaces aspartic acid, which is acidic and polar, with glutamic acid, which is acidic and polar, at codon 295 of the DNAAF4 protein (p.Asp295Glu). In summary, the available evidence is currently insufficient to determine the role of this variant in disease. Therefore, it has been classified as a Variant of Uncertain Significance.

NM_130810.4(DNAAF4):c.885T>G (p.Asp295Glu)

Genes: DNAAF4 (dynein axonemal assembly factor 4; minus strand), DNAAF4-CCPG1 (DNAAF4-CCPG1 readthrough (NMD candidate); minus strand). Cytogenetic location: 15q21.3.
Variant type: single nucleotide variant.
Coding change: c.885T>G on transcript NM_130810.4 (MANE Select); coding-DNA position 885, T replaced by G.
Protein change: p.Asp295Glu; replaces aspartic acid 295 with glutamic acid.
Molecular consequence: missense variant. On other transcripts: non-coding transcript variant (1).
Genome position (GRCh38, 1-based): chr15:55,439,480, A>C on the plus strand (T>G on the coding strand, the complement: DNAAF4 is on the minus strand). VCF-style: chr15-55439480-A-C. GRCh37 (hg19) VCF-style: chr15-55731678-A-C.
Other names: c.885T>G, p.Asp295Glu (NM_001033559.3, NM_001033560.2); short protein forms D295E.
Identifiers: ClinVar variation 2153940 (VCV002153940.2), dbSNP rs1387498480, ClinGen allele CA392548799.